The following is an entry in ClinVar:

NM_014023.4(WDR37):c.16G>T (p.Ala6Ser)

Gene: WDR37 (WD repeat domain 37; plus strand). Cytogenetic location: 10p15.3.
Variant type: single nucleotide variant.
Coding change: c.16G>T on transcript NM_014023.4 (MANE Select); coding-DNA position 16, G replaced by T.
Protein change: p.Ala6Ser; replaces alanine 6 with serine.
Molecular consequence: missense variant.
Genome position (GRCh38, 1-based): chr10:1,072,171, G>T. VCF-style: chr10-1072171-G-T. GRCh37 (hg19) VCF-style: chr10-1118111-G-T.
Other names: short protein forms A6S.
Identifiers: ClinVar variation 4534131 (VCV004534131.6).
Genomic context (GRCh38, chr10:1,072,171, plus strand): 5'-TTTAGCTTATTGCAGGAGTGACCAGGACACTACCTCCTAGAAGTAATGCCCACAGAAAGC[G>T]CAAGTTGTTCGACTGCTCGCCAAACAAAACAGAAGCGCAAATCCCATAGCCTTTCTATAC-3'
Protein context (NP_054742.2, residues 1-16): MPTES[Ala6Ser]SCSTARQTKQ

ClinVar aggregate classification (germline): Likely benign (1 of 4 stars; one submission).

Submission:

CeGaT Center for Human Genetics Tuebingen
Classification: Likely benign. Last evaluated: 2025-11-01. Review status: criteria provided, single submitter. Criteria: CeGaT Center For Human Genetics Tuebingen Variant Classification Criteria Version 2. Collection method: clinical testing. Allele origin: germline. Affected: yes. Observed: 1 variant allele.
Comment: WDR37: BP4